The following is an entry in ClinVar:

ClinVar aggregate classification (germline): Benign/Likely benign. Review status: criteria provided, multiple submitters, no conflicts (2 of 4 stars). 4 submissions from 4 submitters: Benign (1); Likely benign (3). Last evaluated 2025-06-17.

Conditions:
Tuberous sclerosis syndrome (TSC). Also called: Tuberous Sclerosis Complex; Tuberous sclerosis. Identifiers: Orphanet 805, MedGen C0041341, MONDO:0001734.
Tuberous sclerosis 2 (TSC2). Identifiers: Orphanet 805, MedGen C1860707, MONDO:0013199, OMIM 613254.
Hereditary cancer-predisposing syndrome. Also called: Tumor predisposition; Hereditary Cancer Syndrome; Neoplastic Syndromes, Hereditary; Hereditary neoplastic syndrome. Identifiers: Orphanet 140162, MedGen C0027672, MeSH D009386, MONDO:0015356.

Allele frequency attached by ClinVar (database versions not stated): gnomAD exomes below 0.00001; gnomAD 0.00001; TOPMed 0.00001.

Submissions (4):

Labcorp Genetics (formerly Invitae), Labcorp
Classification: Likely benign for Tuberous sclerosis 2. Last evaluated: 2025-06-17. Review status: criteria provided, single submitter. Criteria: Invitae Variant Classification Sherloc (09022015). Collection method: clinical testing. Allele origin: germline.

Myriad Genetics, Inc.
Classification: Benign for Tuberous sclerosis 2. Last evaluated: 2025-05-21. Review status: criteria provided, single submitter. Criteria: Myriad Autosomal Dominant, Autosomal Recessive and X-Linked Classification Criteria (2023). Collection method: clinical testing. Allele origin: unknown.
Comment: This variant is considered benign. This variant is a silent/synonymous amino acid change and it is not expected to impact splicing.

All of Us Research Program, National Institutes of Health
Classification: Likely benign for Tuberous sclerosis syndrome. Last evaluated: 2024-06-17. Review status: criteria provided, single submitter. Criteria: ACMG Guidelines, 2015. Collection method: clinical testing. Allele origin: germline. Inheritance: Autosomal dominant inheritance. Observed: 2 variant alleles, 2 heterozygotes.
Comment: This study involves interpretation of variants in research participants for the purpose of population health screening. Participant phenotype was not available at the time of variant classification. Additional details can be found in publication PMID: 35346344, PMCID: PMC8962531

Ambry Genetics
Classification: Likely benign for Hereditary cancer-predisposing syndrome. Last evaluated: 2020-04-24. Review status: criteria provided, single submitter. Criteria: Ambry Variant Classification Scheme 2023. Collection method: clinical testing. Allele origin: germline.

NM_000548.5(TSC2):c.2736C>T (p.Ile912=)

Gene: TSC2 (TSC complex subunit 2; plus strand). Cytogenetic location: 16p13.3.
Variant type: single nucleotide variant.
Coding change: c.2736C>T on transcript NM_000548.5 (MANE Select); coding-DNA position 2736, C replaced by T.
Protein change: p.Ile912=; no amino-acid change (isoleucine 912 retained).
Molecular consequence: synonymous variant.
Genome position (GRCh38, 1-based): chr16:2,076,164, C>T. VCF-style: chr16-2076164-C-T. GRCh37 (hg19) VCF-style: chr16-2126165-C-T.
Other names: c.2736C>T, p.Ile912= (NM_001077183.3, NM_001114382.3, NM_001363528.2 and 3 more transcripts); c.2625C>T, p.Ile875= (NM_001318827.2); c.2589C>T, p.Ile863= (NM_001318829.2); c.2136C>T, p.Ile712= (NM_001318831.2); c.2769C>T, p.Ile923= (NM_001318832.2).
Identifiers: ClinVar variation 759227 (VCV000759227.15), dbSNP rs1366613803, ClinGen allele CA492953689.